The following is an entry in ClinVar:

NM_018713.3(SLC30A10):c.354C>T (p.Ile118=)

Gene: SLC30A10 (solute carrier family 30 member 10; minus strand). Cytogenetic location: 1q41.
Variant type: single nucleotide variant.
Coding change: c.354C>T on transcript NM_018713.3 (MANE Select); coding-DNA position 354, C replaced by T.
Protein change: p.Ile118=; no amino-acid change (isoleucine 118 retained).
Molecular consequence: synonymous variant. On other transcripts: 5 prime UTR variant (1), intron variant (1).
Genome position (GRCh38, 1-based): chr1:219,928,087, G>A on the plus strand (C>T on the coding strand, the complement: SLC30A10 is on the minus strand). VCF-style: chr1-219928087-G-A. GRCh37 (hg19) VCF-style: chr1-220101429-G-A.
Other names: c.-360C>T (NM_001416005.1); c.452-982C>T (NM_001376929.1).
Identifiers: ClinVar variation 4699890 (VCV004699890.3).
Genomic context (GRCh38, chr1:219,928,087, plus strand): 5'-GGCGCAGTCCTGGAAGATGAGCAGCCCCACCACGTTGACCAACAGCCCCAGGACGCCGAC[G>A]ATGAGCACCAGCTCGGGGTCATCGATGCGCTCGGGCCGGGCCAGGCGCAGCACGGCCTCC-3'
Protein context (NP_061183.2, residues 108-128): ERIDDPELVL[Ile118=]VGVLGLLVNV

ClinVar aggregate classification (germline): Likely benign. Review status: criteria provided, multiple submitters, no conflicts (2 of 4 stars). 2 submissions from 2 submitters: Likely benign (2). Last evaluated 2026-04-01.

gnomAD v4.1: 15 of 1,586,414 alleles (0.00095%); highest among the groups gnomAD compares: East Asian, 0.028%; no homozygotes.

Submissions (2):

CeGaT Center for Human Genetics Tuebingen
Classification: Likely benign. Last evaluated: 2026-04-01. Review status: criteria provided, single submitter. Criteria: CeGaT Center For Human Genetics Tuebingen Variant Classification Criteria Version 2. Collection method: clinical testing. Allele origin: germline. Affected: yes. Observed: 1 variant allele.
Comment: SLC30A10: BP4, BP7

Labcorp Genetics (formerly Invitae), Labcorp
Classification: Likely benign. Last evaluated: 2025-04-15. Review status: criteria provided, single submitter. Criteria: Invitae Variant Classification Sherloc (09022015). Collection method: clinical testing. Allele origin: germline.